The following is an entry in ClinVar:

ClinVar aggregate classification (germline): Uncertain significance (1 of 4 stars; one submission).

Conditions:
Hereditary cancer-predisposing syndrome. Also called: Tumor predisposition; Hereditary neoplastic syndrome; Neoplastic Syndromes, Hereditary; Hereditary Cancer Syndrome. Identifiers: Orphanet 140162, MedGen C0027672, MeSH D009386, MONDO:0015356.

Submission:

Ambry Genetics
Classification: Uncertain significance for Hereditary cancer-predisposing syndrome. Last evaluated: 2019-07-03. Review status: criteria provided, single submitter. Criteria: Ambry Variant Classification Scheme 2023. Collection method: clinical testing. Allele origin: germline.
Comment: The p.A395S variant (also known as c.1183G>T), located in coding exon 12 of the NF2 gene, results from a G to T substitution at nucleotide position 1183. The alanine at codon 395 is replaced by serine, an amino acid with similar properties. This amino acid position is highly conserved in available vertebrate species. In addition, the in silico prediction for this alteration is inconclusive. Since supporting evidence is limited at this time, the clinical significance of this alteration remains unclear.

NM_000268.4(NF2):c.1183G>T (p.Ala395Ser)

Gene: NF2 (NF2, moesin-ezrin-radixin like (MERLIN) tumor suppressor; plus strand). Cytogenetic location: 22q12.2.
Variant type: single nucleotide variant.
Coding change: c.1183G>T on transcript NM_000268.4 (MANE Select); coding-DNA position 1183, G replaced by T.
Protein change: p.Ala395Ser; replaces alanine 395 with serine.
Molecular consequence: missense variant. On other transcripts: non-coding transcript variant (1), intron variant (1).
Genome position (GRCh38, 1-based): chr22:29,673,329, G>T. VCF-style: chr22-29673329-G-T. GRCh37 (hg19) VCF-style: chr22-30069318-G-T.
Other names: c.1183G>T, p.Ala395Ser (NM_016418.5, NM_181825.3, NM_181832.3); c.1057G>T, p.Ala353Ser (NM_181828.3); c.1060G>T, p.Ala354Ser (NM_181829.3); c.934G>T, p.Ala312Ser (NM_181830.3, NM_181831.3); c.448-21423G>T (NM_181833.3); short protein forms A312S, A354S, A353S, A395S.
Identifiers: ClinVar variation 818470 (VCV000818470.4), dbSNP rs1601648303, ClinGen allele CA411148094.